The following is an entry in ClinVar:

NM_017802.4(DNAAF5):c.420G>C (p.Glu140Asp)

Genes: DNAAF5 (dynein axonemal assembly factor 5; plus strand), PRKAR1B (protein kinase cAMP-dependent type I regulatory subunit beta; minus strand). Cytogenetic location: 7p22.3.
Variant type: single nucleotide variant.
Coding change: c.420G>C on transcript NM_017802.4 (MANE Select); coding-DNA position 420, G replaced by C.
Protein change: p.Glu140Asp; replaces glutamic acid 140 with aspartic acid.
Molecular consequence: missense variant. On other transcripts: non-coding transcript variant (1), intron variant (3).
Genome position (GRCh38, 1-based): chr7:727,140, G>C. VCF-style: chr7-727140-G-C. GRCh37 (hg19) VCF-style: chr7-766777-G-C.
Other names: c.-23+515C>G (NM_001164759.1); c.-23+450C>G (NM_001164758.2); c.-23+70C>G (NM_001164760.2); c.420G>C (NM_017802.3); short protein forms E140D.
Identifiers: ClinVar variation 1007157 (VCV001007157.8), dbSNP rs1439027627, ClinGen allele CA366530583.

ClinVar aggregate classification (germline): Uncertain significance. Review status: criteria provided, multiple submitters, no conflicts (2 of 4 stars). 2 submissions from 2 submitters: Uncertain significance (2). Last evaluated 2025-05-28.

Conditions:
Primary ciliary dyskinesia. Also called: Ciliary dyskinesia. Identifiers: Orphanet 244, MedGen C0008780, MONDO:0016575, HP:0012265.

Allele frequency attached by ClinVar (database versions not stated): gnomAD 0.00001; TOPMed 0.00001.

Submissions (2):

Ambry Genetics
Classification: Uncertain significance for Primary ciliary dyskinesia. Last evaluated: 2025-05-28. Review status: criteria provided, single submitter. Criteria: Ambry Variant Classification Scheme 2023. Collection method: clinical testing. Allele origin: germline.

Labcorp Genetics (formerly Invitae), Labcorp
Classification: Uncertain significance for Primary ciliary dyskinesia. Last evaluated: 2021-05-27. Review status: criteria provided, single submitter. Criteria: Invitae Variant Classification Sherloc (09022015). Collection method: clinical testing. Allele origin: germline.
Comment: In summary, the available evidence is currently insufficient to determine the role of this variant in disease. Therefore, it has been classified as a Variant of Uncertain Significance. Algorithms developed to predict the effect of missense changes on protein structure and function do not agree on the potential impact of this missense change (SIFT: "Deleterious"; PolyPhen-2: "Probably Damaging"; Align-GVGD: "Class C0"). This variant has not been reported in the literature in individuals with DNAAF5-related disease. While this variant is not present in population databases, the frequency information is unreliable, as metrics indicate poor data quality at this position in the ExAC database. This sequence change replaces glutamic acid with aspartic acid at codon 140 of the DNAAF5 protein (p.Glu140Asp). The glutamic acid residue is moderately conserved and there is a small physicochemical difference between glutamic acid and aspartic acid.